The following is an entry in ClinVar:

NM_001167.4(XIAP):c.844G>A (p.Glu282Lys)

Gene: XIAP (X-linked inhibitor of apoptosis; plus strand). Cytogenetic location: Xq25.
Variant type: single nucleotide variant.
Coding change: c.844G>A on transcript NM_001167.4 (MANE Select); coding-DNA position 844, G replaced by A.
Protein change: p.Glu282Lys; replaces glutamic acid 282 with lysine.
Molecular consequence: missense variant.
Genome position (GRCh38, 1-based): chrX:123,886,506, G>A. VCF-style: chrX-123886506-G-A. GRCh37 (hg19) VCF-style: chrX-123020356-G-A.
Other names: c.844G>A, p.Glu282Lys (NM_001204401.2, NM_001378590.1, NM_001378591.1 and 1 more transcripts); short protein forms E282K.
Identifiers: ClinVar variation 287381 (VCV000287381.20), dbSNP rs777303823, ClinGen allele CA10508051.

ClinVar aggregate classification (germline): Conflicting classifications of pathogenicity. Review status: criteria provided, conflicting classifications (1 of 4 stars). 6 submissions from 6 submitters: Uncertain significance (5); Likely benign (1). Last evaluated 2025-11-19.

Conditions:
Autoinflammatory syndrome. Identifiers: Orphanet 93665, MedGen C3890737, MONDO:0019751.
Inborn genetic diseases. Identifiers: MedGen C0950123, MeSH D030342.
X-linked lymphoproliferative disease due to XIAP deficiency. Also called: XIAP-Related Lymphoproliferative Disease, X-Linked; XIAP DEFICIENCY. Identifiers: Orphanet 2442, Orphanet 538934, MedGen C1845076, MONDO:0010385, OMIM 300635.
X-linked lymphoproliferative disease due to SH2D1A deficiency (XLP1). Also called: IMMUNODEFICIENCY 5; IMMUNODEFICIENCY, X-LINKED PROGRESSIVE COMBINED VARIABLE; INFECTIOUS MONONUCLEOSIS, SEVERE, SUSCEPTIBILITY TO; DUNCAN DISEASE; PURTILO SYNDROME; SH2D1A-Related Lymphoproliferative Disease, X-Linked. Identifiers: Orphanet 2442, Orphanet 538931, MedGen C5399825, MONDO:0024551, OMIM 308240.
XIAP-related disorder. Also called: XIAP-related condition.

Allele frequency attached by ClinVar (database versions not stated): ExAC 0.00003; gnomAD exomes 0.00003; TOPMed 0.00010; gnomAD 0.00011 and 0.00012.
gnomAD v4.1: 21 of 1,203,165 alleles (0.0017%); highest among the groups gnomAD compares: African/African-American, 0.031%; no homozygotes.

Submissions (6):

PreventionGenetics, part of Exact Sciences
Classification: Uncertain significance for XIAP-related condition. Last evaluated: 2025-11-19. Review status: criteria provided, single submitter. Criteria: ACMG Guidelines, 2015. Collection method: clinical testing. Allele origin: germline.
Comment: The XIAP c.844G>A variant is predicted to result in the amino acid substitution p.Glu282Lys. To our knowledge, this variant has not been reported in the literature. This variant is reported in 0.043% of alleles in individuals of African descent in gnomAD, including one hemizygous individual, which may be too common to be causative. Although we suspect that this variant may be benign, at this time, the clinical significance of this variant is uncertain due to the absence of conclusive functional and genetic evidence.

Ambry Genetics
Classification: Uncertain significance for Inborn genetic diseases. Last evaluated: 2025-09-28. Review status: criteria provided, single submitter. Criteria: Ambry Variant Classification Scheme 2023. Collection method: clinical testing. Allele origin: germline.

Labcorp Genetics (formerly Invitae), Labcorp
Classification: Likely benign for X-linked lymphoproliferative disease due to XIAP deficiency. Last evaluated: 2025-07-19. Review status: criteria provided, single submitter. Criteria: Invitae Variant Classification Sherloc (09022015). Collection method: clinical testing. Allele origin: germline.

Fulgent Genetics
Classification: Uncertain significance for X-linked lymphoproliferative disease due to XIAP deficiency; X-linked lymphoproliferative disease due to SH2D1A deficiency. Last evaluated: 2018-10-31. Review status: criteria provided, single submitter. Criteria: ACMG Guidelines, 2015. Collection method: clinical testing. Allele origin: unknown.

Genome Diagnostics Laboratory, The Hospital for Sick Children
Classification: Uncertain significance for Autoinflammatory syndrome. Last evaluated: 2016-12-12. Review status: criteria provided, single submitter. Criteria: ACMG Guidelines, 2015. Collection method: clinical testing. Allele origin: germline. Affected: yes.

Eurofins Ntd Llc (ga)
Classification: Uncertain significance. Last evaluated: 2016-05-18. Review status: criteria provided, single submitter. Criteria: EGL Classification Definitions 2015. Collection method: clinical testing. Allele origin: germline. Observed: 1 variant allele, 1 heterozygote.